The following is an entry in ClinVar:

NM_000350.3(ABCA4):c.4342G>A (p.Gly1448Arg)

Gene: ABCA4 (ATP binding cassette subfamily A member 4; minus strand). Cytogenetic location: 1p22.1.
Variant type: single nucleotide variant.
Coding change: c.4342G>A on transcript NM_000350.3 (MANE Select); coding-DNA position 4342, G replaced by A.
Protein change: p.Gly1448Arg; replaces glycine 1448 with arginine.
Molecular consequence: missense variant.
Genome position (GRCh38, 1-based): chr1:94,030,438, C>T on the plus strand (G>A on the coding strand, the complement: ABCA4 is on the minus strand). VCF-style: chr1-94030438-C-T. GRCh37 (hg19) VCF-style: chr1-94495994-C-T.
Other names: c.4120G>A, p.Gly1374Arg (NM_001425324.1); short protein forms G1448R, G1374R.
Identifiers: ClinVar variation 499759 (VCV000499759.19), dbSNP rs142506651, ClinGen allele CA957650.

ClinVar aggregate classification (germline): Conflicting classifications of pathogenicity. Review status: criteria provided, conflicting classifications (1 of 4 stars). 5 submissions from 5 submitters: Uncertain significance (4); Likely benign (1). Last evaluated 2026-06-11.

Conditions:
ABCA4-related disorder. Also called: ABCA4-related disorders; ABCA4-related condition. Identifiers: MedGen CN239167.
Severe early-childhood-onset retinal dystrophy (STGD1). Also called: Stargardt macular dystrophy; Juvenile onset macular degeneration; Stargardt disease 1; STGD; MACULAR DYSTROPHY WITH FLECKS, TYPE 1. Identifiers: Orphanet 364055, Orphanet 827, MedGen C1855465, MeSH D000080362, MONDO:0009549, OMIM 248200.
Cone-rod dystrophy 3 (CORD3). Identifiers: Orphanet 1872, MedGen C1858806, MONDO:0011395, OMIM 604116.
Retinitis pigmentosa 19 (RP19). Also called: ABCA4-Related Retinitis Pigmentosa. Identifiers: Orphanet 791, MedGen C1866422, MONDO:0011137, OMIM 601718.

Allele frequency attached by ClinVar (database versions not stated): 1000 Genomes Project 30x 0.00062; gnomAD 0.00071 and 0.00068; gnomAD exomes 0.00006 and 0.00019; 1000 Genomes Project 0.00060; TOPMed 0.00080; ESP Exome Variant Server 0.00062; ExAC 0.00025.
gnomAD v4.1: 189 of 1,614,248 alleles (0.012%); highest among the groups gnomAD compares: African/African-American, 0.24%; no homozygotes.

Submissions (5):

PreventionGenetics, part of Exact Sciences
Classification: Uncertain significance for ABCA4-related condition. Last evaluated: 2026-06-11. Review status: criteria provided, single submitter. Criteria: ACMG Guidelines, 2015. Collection method: clinical testing. Allele origin: germline.
Comment: The ABCA4 c.4342G>A variant is predicted to result in the amino acid substitution p.Gly1448Arg. This variant was reported in an individual with cone-rod dystrophy, along a second potentially causative variant was not described in that individual (Fishman et al. 2003. PubMed ID: 12796258). Another study suggested that this variant could be benign (supplementary data, Cornelis et al. 2022. PubMed ID: 35120629). This variant is reported in 0.27% of alleles in individuals of African descent in gnomAD, which may be too frequent to be a primary cause of disease. Although we suspect that this variant may be benign, at this time, the clinical significance of this variant is uncertain due to the absence of conclusive functional and genetic evidence.

Labcorp Genetics (formerly Invitae), Labcorp
Classification: Likely benign. Last evaluated: 2026-01-24. Review status: criteria provided, single submitter. Criteria: Invitae Variant Classification Sherloc (09022015). Collection method: clinical testing. Allele origin: germline.

Blueprint Genetics
Classification: Uncertain significance. Last evaluated: 2024-01-23. Review status: criteria provided, single submitter. Criteria: ACMG Guidelines, 2015. Collection method: clinical testing. Allele origin: germline.

Department of Pathology and Laboratory Medicine, Sinai Health System
Classification: Uncertain significance for Cone-rod dystrophy 3; Severe early-childhood-onset retinal dystrophy; Retinitis pigmentosa 19. Last evaluated: 2022-11-29. Review status: criteria provided, single submitter. Criteria: ACMG Guidelines, 2015. Collection method: research. Allele origin: germline.

Eurofins Ntd Llc (ga)
Classification: Uncertain significance. Last evaluated: 2017-02-12. Review status: criteria provided, single submitter. Criteria: EGL Classification Definitions 2015. Collection method: clinical testing. Allele origin: germline. Observed: 1 variant allele, 1 heterozygote.